The following is an entry in ClinVar:

ClinVar aggregate classification (germline): Uncertain significance (1 of 4 stars; one submission).

Submission:

Labcorp Genetics (formerly Invitae), Labcorp
Classification: Uncertain significance. Last evaluated: 2022-06-25. Review status: criteria provided, single submitter. Criteria: Invitae Variant Classification Sherloc (09022015). Collection method: clinical testing. Allele origin: germline.
Comment: A gross deletion of the genomic region encompassing the full coding sequence of the SH2B1 gene has been identified. The current clinical and genetic evidence is not sufficient to establish whether loss-of-function variants in SH2B1 cause disease. The boundaries of this event are unknown as they extend beyond the assayed region for this gene and therefore may encompass additional genes. Isolated whole-gene deletions of SH2B1 have not been reported in the literature. However, larger copy number events that include this gene have been reported (PMID: 19966786, 20799338, 20808231, 23554873, 23860047, 27257017, 29976977, 30208311, 30518945, 31801954, 33144682, 34015165). In summary, the available evidence is currently insufficient to determine the role of this variant in disease. Therefore, it has been classified as a Variant of Uncertain Significance.

Literature cited by the submitters: PubMed 19966786; PubMed 20799338; PubMed 20808231; PubMed 23554873; PubMed 23860047; PubMed 27257017; PubMed 29976977; PubMed 30208311; PubMed 30518945; PubMed 31801954; PubMed 33144682; PubMed 34015165.

NC_000016.9:g.(?_27441393)_(28899063_?)del

Genes: APOBR (apolipoprotein B receptor; plus strand), ATP2A1 (ATPase sarcoplasmic/endoplasmic reticulum Ca2+ transporting 1; plus strand), ATXN2L (ataxin 2 like; plus strand), CLN3 (CLN3 lysosomal/endosomal transmembrane protein, battenin; minus strand), EIF3C (eukaryotic translation initiation factor 3 subunit C; plus strand) and 15 more. Cytogenetic location: 16p12.1-11.2.
Variant type: Deletion.
Identifiers: ClinVar variation 2423886 (VCV002423886.3).